The following is an entry in ClinVar:

NM_000548.5(TSC2):c.2197C>T (p.Leu733=)

Gene: TSC2 (TSC complex subunit 2; plus strand). Cytogenetic location: 16p13.3.
Variant type: single nucleotide variant.
Coding change: c.2197C>T on transcript NM_000548.5 (MANE Select); coding-DNA position 2197, C replaced by T.
Protein change: p.Leu733=; no amino-acid change (leucine 733 retained).
Molecular consequence: synonymous variant.
Genome position (GRCh38, 1-based): chr16:2,072,340, C>T. VCF-style: chr16-2072340-C-T. GRCh37 (hg19) VCF-style: chr16-2122341-C-T.
Other names: c.2197C>T, p.Leu733= (NM_001077183.3, NM_001114382.3, NM_001363528.2 and 3 more transcripts); c.2086C>T, p.Leu696= (NM_001318827.2); c.2050C>T, p.Leu684= (NM_001318829.2); c.1597C>T, p.Leu533= (NM_001318831.2); c.2230C>T, p.Leu744= (NM_001318832.2).
Identifiers: ClinVar variation 699914 (VCV000699914.13), dbSNP rs397515163, ClinGen allele CA492951205.

ClinVar aggregate classification (germline): Benign/Likely benign. Review status: criteria provided, multiple submitters, no conflicts (2 of 4 stars). 4 submissions from 4 submitters: Benign (1); Likely benign (3). Last evaluated 2025-05-19.

Conditions:
Tuberous sclerosis 2 (TSC2). Identifiers: Orphanet 805, MedGen C1860707, MONDO:0013199, OMIM 613254.
Hereditary cancer-predisposing syndrome. Also called: Tumor predisposition; Hereditary neoplastic syndrome; Hereditary Cancer Syndrome; Neoplastic Syndromes, Hereditary. Identifiers: Orphanet 140162, MedGen C0027672, MeSH D009386, MONDO:0015356.
Tuberous sclerosis syndrome (TSC). Also called: Tuberous Sclerosis Complex; Tuberous sclerosis. Identifiers: Orphanet 805, MedGen C0041341, MONDO:0001734.

Allele frequency attached by ClinVar (database versions not stated): gnomAD exomes below 0.00001.
gnomAD v4.1: 3 of 1,614,126 alleles (0.00019%); highest among the groups gnomAD compares: Non-Finnish European, 0.00025%; no homozygotes.

Submissions (4):

Myriad Genetics, Inc.
Classification: Benign for Tuberous sclerosis 2. Last evaluated: 2025-05-19. Review status: criteria provided, single submitter. Criteria: Myriad Autosomal Dominant, Autosomal Recessive and X-Linked Classification Criteria (2023). Collection method: clinical testing. Allele origin: unknown.
Comment: This variant is considered benign. This variant is a silent/synonymous amino acid change and it is not expected to impact splicing.

Labcorp Genetics (formerly Invitae), Labcorp
Classification: Likely benign for Tuberous sclerosis 2. Last evaluated: 2023-06-19. Review status: criteria provided, single submitter. Criteria: Invitae Variant Classification Sherloc (09022015). Collection method: clinical testing. Allele origin: germline.

Ambry Genetics
Classification: Likely benign for Hereditary cancer-predisposing syndrome. Last evaluated: 2022-11-11. Review status: criteria provided, single submitter. Criteria: Ambry Variant Classification Scheme 2023. Collection method: clinical testing. Allele origin: germline.

Color Diagnostics, LLC DBA Color Health
Classification: Likely benign for Tuberous sclerosis syndrome. Last evaluated: 2022-09-24. Review status: criteria provided, single submitter. Criteria: ACMG Guidelines, 2015. Collection method: clinical testing. Allele origin: germline.